The following is an entry in ClinVar:

NM_001391958.1(NLRP10):c.1873_1875del (p.Lys625del)

Gene: NLRP10 (NLR family pyrin domain containing 10; minus strand). Cytogenetic location: 11p15.4.
Variant type: Deletion.
Coding change: c.1873_1875del on transcript NM_001391958.1 (MANE Select); coding-DNA positions 1873 to 1875, 3 bases deleted (AAG; older notation c.1873_1875delAAG).
Protein change: p.Lys625del; deletes lysine 625.
Molecular consequence: inframe deletion.
Genome position (GRCh38, 1-based): chr11:7,959,737-7,959,739, CTT deleted on the plus strand (AAG on the coding strand, the reverse complement: NLRP10 is on the minus strand); deleting any 3 consecutive bases within chr11:7,959,737-7,959,741 gives the same sequence; the c. name uses the placement nearest the transcript's 3' end. VCF-style (leftmost placement, unchanged base first): chr11-7959736-CCTT-C. GRCh37 (hg19) VCF-style: chr11-7981283-CCTT-C.
Other names: c.1873_1875del, p.Lys625del (NM_176821.4); short protein forms K625del.
Identifiers: ClinVar variation 103335 (VCV000103335.2), dbSNP rs199476233, ClinGen allele CA230433.
Genomic context (GRCh38, chr11:7,959,736, plus strand): 5'-TCCCTCTGCCTTTTCCAGTAGAAGCTTCCTTTTGTGTTCCTGCTATATTATCTTTGCCCT[CCTT>C]CTGTCCATGGACAGAAGGACATTTTTGCTCCTCCTTAGGTCCATGACTCAAGCTGCTTTT-3'

ClinVar aggregate classification (germline): not provided (0 of 4 stars; one submission).

Submission:

Human Evolutionary Genetics, Institut Pasteur
No classification provided. Review status: no classification provided. Collection method: not provided. Allele origin: germline.
ClinVar note: Converted during submission from untested to not provided.